The following is an entry in ClinVar:

NM_000057.4(BLM):c.3515T>C (p.Met1172Thr)

Gene: BLM (BLM RecQ like helicase; plus strand). Cytogenetic location: 15q26.1.
Variant type: single nucleotide variant.
Coding change: c.3515T>C on transcript NM_000057.4 (MANE Select); coding-DNA position 3515, T replaced by C.
Protein change: p.Met1172Thr; replaces methionine 1172 with threonine.
Molecular consequence: missense variant. On other transcripts: intron variant (1).
Genome position (GRCh38, 1-based): chr15:90,803,677, T>C. VCF-style: chr15-90803677-T-C. GRCh37 (hg19) VCF-style: chr15-91346907-T-C.
Other names: c.3515T>C, p.Met1172Thr (NM_001287246.2); c.2390T>C, p.Met797Thr (NM_001287248.2); c.3358+5340T>C (NM_001287247.2); short protein forms M797T, M1172T.
Identifiers: ClinVar variation 5032863 (VCV005032863.1).
Genomic context (GRCh38, chr15:90,803,677, plus strand): 5'-ACAAGATTTTGGATGAAGACTTATATATCAATGCCAATGACCAGGCGATCGCTTATGTGA[T>C]GCTCGGAAATAAAGCCCAAACTGTACTAAATGGCAATTTAAAGGTATAGTATTTTTCATG-3'
Protein context (NP_000048.1, residues 1162-1182): NANDQAIAYV[Met1172Thr]LGNKAQTVLN

ClinVar aggregate classification (germline): Uncertain significance (1 of 4 stars; one submission).

Conditions:
Hereditary cancer-predisposing syndrome. Also called: Neoplastic Syndromes, Hereditary; Tumor predisposition; Hereditary neoplastic syndrome; Hereditary Cancer Syndrome. Identifiers: Orphanet 140162, MedGen C0027672, MeSH D009386, MONDO:0015356.

Submission:

Ambry Genetics
Classification: Uncertain significance for Hereditary cancer-predisposing syndrome. Last evaluated: 2026-06-18. Review status: criteria provided, single submitter. Criteria: Ambry Variant Classification Scheme 2023. Collection method: clinical testing. Allele origin: germline.
Comment: The p.M1172T variant (also known as c.3515T>C), located in coding exon 17 of the BLM gene, results from a T to C substitution at nucleotide position 3515. The methionine at codon 1172 is replaced by threonine, an amino acid with similar properties. This amino acid position is conserved. In addition, this alteration is predicted to be tolerated by in silico analysis. Based on the available evidence, the clinical significance of this variant remains unclear.